The following is an entry in ClinVar:

ClinVar aggregate classification (germline): Pathogenic (1 of 4 stars; one submission).

Conditions:
Lysinuric protein intolerance (LPI). Identifiers: Orphanet 470, MedGen C0268647, MONDO:0009109, OMIM 222700.

Submission:

Labcorp Genetics (formerly Invitae), Labcorp
Classification: Pathogenic for Lysinuric protein intolerance. Last evaluated: 2019-05-21. Review status: criteria provided, single submitter. Criteria: Invitae Variant Classification Sherloc (09022015). Collection method: clinical testing. Allele origin: germline.
Comment: This sequence change creates a premature translational stop signal (p.Ala164Glyfs*12) in the SLC7A7 gene. It is expected to result in an absent or disrupted protein product. This variant is not present in population databases (ExAC no frequency). This variant has not been reported in the literature in individuals with SLC7A7-related conditions. For these reasons, this variant has been classified as Pathogenic. Loss-of-function variants in SLC7A7 are known to be pathogenic (PMID: 10631139, 17764084).

Literature cited by the submitters: PubMed 10631139; PubMed 17764084.

NM_003982.4(SLC7A7):c.484_490dup (p.Ala164fs)

Gene: SLC7A7 (solute carrier family 7 member 7; minus strand). Cytogenetic location: 14q11.2.
Variant type: Duplication.
Coding change: c.484_490dup on transcript NM_003982.4 (MANE Select); coding-DNA positions 484 to 490, 7 bases duplicated (GCTGCTG; older notation c.484_490dupGCTGCTG).
Protein change: p.Ala164fs; shifts the reading frame from alanine 164.
Molecular consequence: frameshift variant.
Genome position (GRCh38, 1-based): chr14:22,812,909-22,812,915, CAGCAGC duplicated on the plus strand (GCTGCTG on the coding strand, the reverse complement: SLC7A7 is on the minus strand); duplicating any 7 consecutive bases within chr14:22,812,909-22,812,921 gives the same sequence; the c. name uses the placement nearest the transcript's 3' end. VCF-style (leftmost placement, unchanged base first): chr14-22812908-G-GCAGCAGC. GRCh37 (hg19) VCF-style: chr14-23282117-G-GCAGCAGC.
Other names: c.484_490dup, p.Ala164fs (NM_001126105.3, NM_001126106.4); short protein forms A164fs.
Identifiers: ClinVar variation 947208 (VCV000947208.7), dbSNP rs2039336515, ClinGen allele CA1139663356.